The following is an entry in ClinVar:

ClinVar aggregate classification (germline): Likely benign. Review status: criteria provided, multiple submitters, no conflicts (2 of 4 stars). 5 submissions from 5 submitters: Likely benign (4). 1 of the submissions does not count toward it. Last evaluated 2025-11-13.

Conditions:
Inborn genetic diseases. Identifiers: MedGen C0950123, MeSH D030342.
Autosomal dominant familial hematuria-retinal arteriolar tortuosity-contractures syndrome. Also called: Angiopathy, hereditary, with nephropathy, aneurysms, and muscle cramps; Hereditary Angiopathy with Nephropathy, Aneurysms, and Muscle Cramps (HANAC) Syndrome. Identifiers: Orphanet 73229, MedGen C2673195, MONDO:0012726, OMIM 611773.
Brain small vessel disease 1 with or without ocular anomalies (BSVD1). Also called: BRAIN SMALL VESSEL DISEASE WITH HEMORRHAGE; GOULD SYNDROME 1; Brain small vessel disease with or without ocular anomalies; PORENCEPHALY, TYPE 1, AUTOSOMAL DOMINANT. Identifiers: Orphanet 2940, Orphanet 36383, Orphanet 99810, MedGen C4755307, MONDO:0008289, OMIM 175780.
Microangiopathy and leukoencephalopathy, pontine, autosomal dominant. Also called: Pontine autosomal dominant microangiopathy with leukoencephalopathy; DEMENTIA, HEREDITARY MULTI-INFARCT, SWEDISH TYPE. Identifiers: Orphanet 477749, MedGen C5231411, MONDO:0032814, OMIM 618564.
Hemorrhage, intracerebral, susceptibility to (ICH). Also called: Stroke, hemorrhagic, susceptibility to. Identifiers: MedGen C3281105, MONDO:0100533, OMIM 614519.
Retinal arterial tortuosity. Also called: Retinal arteries, tortuosity of; RETINAL HEMORRHAGE WITH VASCULAR TORTUOSITY. Identifiers: Orphanet 75326, MedGen C0423401, MONDO:0008373, OMIM 180000, HP:0000631.
COL4A1-related disorder. Also called: COL4A1-related condition; COL4A1-related disorders. Identifiers: MedGen CN376119, MONDO:0800461.

Allele frequency attached by ClinVar (database versions not stated): gnomAD 0.00004 and 0.00008; TOPMed 0.00006; ExAC 0.00007; gnomAD exomes 0.00007; 1000 Genomes Project 0.00100; 1000 Genomes Project 30x 0.00109.
gnomAD v4.1: 118 of 1,613,560 alleles (0.0073%); highest among the groups gnomAD compares: Admixed American, 0.057%; no homozygotes.

Submissions (5):

Labcorp Genetics (formerly Invitae), Labcorp
Classification: Likely benign. Last evaluated: 2025-11-13. Review status: criteria provided, single submitter. Criteria: Invitae Variant Classification Sherloc (09022015). Collection method: clinical testing. Allele origin: germline.

Ambry Genetics
Classification: Likely benign for Inborn genetic diseases. Last evaluated: 2025-03-30. Review status: criteria provided, single submitter. Criteria: Ambry Variant Classification Scheme 2023. Collection method: clinical testing. Allele origin: germline.

Blueprint Genetics
Classification: Likely benign. Last evaluated: 2024-09-06. Review status: criteria provided, single submitter. Criteria: ACMG Guidelines, 2015. Collection method: clinical testing. Allele origin: germline.

Fulgent Genetics
Classification: Likely benign for Brain small vessel disease 1 with or without ocular anomalies; Retinal arterial tortuosity; Autosomal dominant familial hematuria-retinal arteriolar tortuosity-contractures syndrome; Hemorrhage, intracerebral, susceptibility to; Microangiopathy and leukoencephalopathy, pontine, autosomal dominant. Last evaluated: 2022-02-23. Review status: criteria provided, single submitter. Criteria: ACMG Guidelines, 2015. Collection method: clinical testing. Allele origin: unknown.

PreventionGenetics, part of Exact Sciences
Classification: Likely benign for COL4A1-related condition. Last evaluated: 2019-08-27. Review status: no assertion criteria provided. Collection method: clinical testing. Allele origin: germline. Not counted in ClinVar's aggregate classification.
Comment: This variant is classified as likely benign based on ACMG/AMP sequence variant interpretation guidelines (Richards et al. 2015 PMID: 25741868, with internal and published modifications).

NM_001845.6(COL4A1):c.3216G>A (p.Ala1072=)

Gene: COL4A1 (collagen type IV alpha 1 chain; minus strand). Cytogenetic location: 13q34.
Variant type: single nucleotide variant.
Coding change: c.3216G>A on transcript NM_001845.6 (MANE Select); coding-DNA position 3216, G replaced by A.
Protein change: p.Ala1072=; no amino-acid change (alanine 1072 retained).
Molecular consequence: synonymous variant.
Genome position (GRCh38, 1-based): chr13:110,174,732, C>T on the plus strand (G>A on the coding strand, the complement: COL4A1 is on the minus strand). VCF-style: chr13-110174732-C-T. GRCh37 (hg19) VCF-style: chr13-110827079-C-T.
Other names: c.3216G>A (NM_001845.5, NM_001845.4).
Identifiers: ClinVar variation 1551426 (VCV001551426.13), dbSNP rs188620231, ClinGen allele CA7047329.